The following is an entry in ClinVar:

NM_001367823.1(ARHGEF18):c.3928G>A (p.Ala1310Thr)

Gene: ARHGEF18 (Rho/Rac guanine nucleotide exchange factor 18; plus strand). Cytogenetic location: 19p13.2.
Variant type: single nucleotide variant.
Coding change: c.3928G>A on transcript NM_001367823.1 (MANE Select); coding-DNA position 3928, G replaced by A.
Protein change: p.Ala1310Thr; replaces alanine 1310 with threonine.
Molecular consequence: missense variant.
Genome position (GRCh38, 1-based): chr19:7,470,140, G>A. VCF-style: chr19-7470140-G-A. GRCh37 (hg19) VCF-style: chr19-7535026-G-A.
Other names: c.3202G>A, p.Ala1068Thr (NM_001130955.2); c.2890G>A, p.Ala964Thr (NM_001367824.1, NM_015318.4); short protein forms A1068T, A1310T, A964T.
Identifiers: ClinVar variation 780509 (VCV000780509.13), dbSNP rs9329369, ClinGen allele CA9137315.
Genomic context (GRCh38, chr19:7,470,140, plus strand): 5'-GGCACCACCCGGCGACTGCTCAGTCTGAACCCTCTCTCTGTTCCAGACCCTGGCTTCCCC[G>A]CCCCGAGCCCACCGCCAGCTGACAGCCCCTCCGAGGGCTTCTCTCTCAAGGCCGGGGGCA-3'
Protein context (NP_001354752.1, residues 1300-1320): PAPPPDPGFP[Ala1310Thr]PSPPPADSPS

ClinVar aggregate classification (germline): Benign. Review status: criteria provided, multiple submitters, no conflicts (2 of 4 stars). 3 submissions from 3 submitters: Benign (2). 1 of the submissions does not count toward it. Last evaluated 2026-02-01.

Conditions:
ARHGEF18-related disorder. Also called: ARHGEF18-related condition.

Allele frequency attached by ClinVar (database versions not stated): gnomAD exomes 0.00176 and 0.00456; ExAC 0.00551; gnomAD 0.01801 and 0.01925; 1000 Genomes Project 0.01977; TOPMed 0.01987; 1000 Genomes Project 30x 0.02061; ESP Exome Variant Server 0.02187.
gnomAD v4.1: 5,376 of 1,612,046 alleles (0.33%); highest among the groups gnomAD compares: African/African-American, 6.3%; 141 homozygotes.

Submissions (3):

Labcorp Genetics (formerly Invitae), Labcorp
Classification: Benign. Last evaluated: 2026-02-01. Review status: criteria provided, single submitter. Criteria: Invitae Variant Classification Sherloc (09022015). Collection method: clinical testing. Allele origin: germline.

Breakthrough Genomics
Classification: Benign. Review status: criteria provided, single submitter. Criteria: ACMG Guidelines, 2015. Collection method: not provided. Allele origin: germline. Inheritance: Autosomal recessive inheritance. Affected: yes.

PreventionGenetics, part of Exact Sciences
Classification: Benign for ARHGEF18-related condition. Last evaluated: 2024-03-11. Review status: no assertion criteria provided. Collection method: clinical testing. Allele origin: germline. Not counted in ClinVar's aggregate classification.
Comment: This variant is classified as benign based on ACMG/AMP sequence variant interpretation guidelines (Richards et al. 2015 PMID: 25741868, with internal and published modifications).